The following is an entry in ClinVar:

ClinVar aggregate classification (germline): Likely benign (0 of 4 stars; one submission).

Conditions:
HECTD4-related disorder. Also called: HECTD4-related condition.

Submission:

PreventionGenetics, part of Exact Sciences
Classification: Likely benign for HECTD4-related condition. Last evaluated: 2022-11-02. Review status: no assertion criteria provided. Collection method: clinical testing. Allele origin: germline.
Comment: This variant is classified as likely benign based on ACMG/AMP sequence variant interpretation guidelines (Richards et al. 2015 PMID: 25741868, with internal and published modifications).

NM_001388303.1(HECTD4):c.2448T>A (p.Ala816=)

Gene: HECTD4 (HECT domain E3 ubiquitin protein ligase 4; minus strand). Cytogenetic location: 12q24.13.
Variant type: single nucleotide variant.
Coding change: c.2448T>A on transcript NM_001388303.1 (MANE Select); coding-DNA position 2448, T replaced by A.
Protein change: p.Ala816=; no amino-acid change (alanine 816 retained).
Molecular consequence: synonymous variant.
Genome position (GRCh38, 1-based): chr12:112,265,928, A>T on the plus strand (T>A on the coding strand, the complement: HECTD4 is on the minus strand). VCF-style: chr12-112265928-A-T. GRCh37 (hg19) VCF-style: chr12-112703732-A-T.
Other names: c.2448T>A, p.Ala816= (NM_001109662.4).
Identifiers: ClinVar variation 3031633 (VCV003031633.2), dbSNP rs2301757, ClinGen allele CA481895648.
Genomic context (GRCh38, chr12:112,265,928, plus strand): 5'-CTGGTGTCACCTGTAATGATCATCCTCATCACTGCCAAATCGGTTGTTTTGGAGCTGTTC[A>T]GCCAGGTTGGTTAGGATCACATCCCGTAGCTGGGAGAGTCCACTGTTTCTCTCTCCTAAC-3'
Protein context (NP_001375232.1, residues 806-826): QLRDVILTNL[Ala816=]EQLQNNRFGS